The following is an entry in ClinVar:

ClinVar aggregate classification (germline): Pathogenic (1 of 4 stars; one submission).

Conditions:
Primary ciliary dyskinesia. Also called: Ciliary dyskinesia. Identifiers: Orphanet 244, MedGen C0008780, MONDO:0016575, HP:0012265.

Submission:

Labcorp Genetics (formerly Invitae), Labcorp
Classification: Pathogenic for Primary ciliary dyskinesia. Last evaluated: 2023-09-06. Review status: criteria provided, single submitter. Criteria: Invitae Variant Classification Sherloc (09022015). Collection method: clinical testing. Allele origin: germline.
Comment: This variant has not been reported in the literature in individuals affected with DNAH11-related conditions. This variant is not present in population databases (gnomAD no frequency). This sequence change creates a premature translational stop signal (p.Gln4470Profs*11) in the DNAH11 gene. While this is not anticipated to result in nonsense mediated decay, it is expected to disrupt the last 47 amino acid(s) of the DNAH11 protein. This variant disrupts a region of the DNAH11 protein in which other variant(s) (p.Trp4505Serfs*10) have been determined to be pathogenic (Invitae). This suggests that this is a clinically significant region of the protein, and that variants that disrupt it are likely to be disease-causing. For these reasons, this variant has been classified as Pathogenic.

NM_001277115.2(DNAH11):c.13409_13424del (p.Gln4470fs)

Genes: CDCA7L (cell division cycle associated 7 like; minus strand), DNAH11 (dynein axonemal heavy chain 11; plus strand). Cytogenetic location: 7p15.3.
Variant type: Deletion.
Coding change: c.13409_13424del on transcript NM_001277115.2 (MANE Select); coding-DNA positions 13409 to 13424, 16 bases deleted (AAGAAACCAAACAGAC).
Protein change: p.Gln4470fs; shifts the reading frame from glutamine 4470.
Molecular consequence: frameshift variant. On other transcripts: 3 prime UTR variant (3).
Genome position (GRCh38, 1-based): chr7:21,901,112-21,901,127, AAGAAACCAAACAGAC deleted; deleting any 16 consecutive bases within chr7:21,901,106-21,901,127 gives the same sequence; the c. name uses the placement nearest the transcript's 3' end. VCF-style (leftmost placement, unchanged base first): chr7-21901105-GACAGACAAGAAACCAA-G. GRCh37 (hg19) VCF-style: chr7-21940723-GACAGACAAGAAACCAA-G.
Other names: c.*1201_*1216del (NM_001127370.3, NM_001127371.3, NM_018719.5); short protein forms Q4470fs.
Identifiers: ClinVar variation 2758563 (VCV002758563.3), dbSNP rs2534164401, ClinGen allele CA2697557174.